The following is an entry in ClinVar:

NM_004082.5(DCTN1):c.1904A>G (p.Asn635Ser)

Gene: DCTN1 (dynactin subunit 1; minus strand). Cytogenetic location: 2p13.1.
Variant type: single nucleotide variant.
Coding change: c.1904A>G on transcript NM_004082.5 (MANE Select); coding-DNA position 1904, A replaced by G.
Protein change: p.Asn635Ser; replaces asparagine 635 with serine.
Molecular consequence: missense variant. On other transcripts: non-coding transcript variant (1).
Genome position (GRCh38, 1-based): chr2:74,368,082, T>C on the plus strand (A>G on the coding strand, the complement: DCTN1 is on the minus strand). VCF-style: chr2-74368082-T-C. GRCh37 (hg19) VCF-style: chr2-74595209-T-C.
Other names: c.1844A>G, p.Asn615Ser (NM_001135040.3); c.1502A>G, p.Asn501Ser (NM_001135041.3, NM_023019.4); c.1793A>G, p.Asn598Ser (NM_001190836.2); c.1883A>G, p.Asn628Ser (NM_001190837.2); c.1853A>G, p.Asn618Ser (NM_001378991.1); c.1835A>G, p.Asn612Ser (NM_001378992.1); short protein forms N612S, N615S, N635S, N598S, N618S, N501S, N628S.
Identifiers: ClinVar variation 2939247 (VCV002939247.3), dbSNP rs2529131318, ClinGen allele CA347352438.

ClinVar aggregate classification (germline): Uncertain significance (1 of 4 stars; one submission).

Conditions:
Amyotrophic lateral sclerosis type 1 (ALS1). Also called: AMYOTROPHIC LATERAL SCLEROSIS 1, FAMILIAL. Identifiers: Orphanet 803, MedGen C1862939, MONDO:0007103, OMIM 105400.
Neuronopathy, distal hereditary motor, type 7B. Also called: HMN VIIB; LOWER MOTOR NEURON DISEASE, DYNACTIN TYPE; NEURONOPATHY, DISTAL HEREDITARY MOTOR, AUTOSOMAL DOMINANT 14; NEURONOPATHY, DISTAL HEREDITARY MOTOR, HARDING TYPE VIIB; NEUROPATHY, DISTAL HEREDITARY MOTOR, HARDING TYPE VIIB; NEUROPATHY, DISTAL HEREDITARY MOTOR, WITH VOCAL CORD PARALYSIS, HARDING TYPE VIIB. Identifiers: Orphanet 139589, MedGen C1843315, MONDO:0011879, OMIM 607641.
Perry syndrome. Also called: PARKINSONISM WITH ALVEOLAR HYPOVENTILATION AND MENTAL DEPRESSION. Identifiers: Orphanet 178509, MedGen C1868594, MONDO:0008201, OMIM 168605.

Submission:

Labcorp Genetics (formerly Invitae), Labcorp
Classification: Uncertain significance for Amyotrophic lateral sclerosis type 1; Neuronopathy, distal hereditary motor, type 7B; Perry syndrome. Last evaluated: 2023-08-17. Review status: criteria provided, single submitter. Criteria: Invitae Variant Classification Sherloc (09022015). Collection method: clinical testing. Allele origin: germline.
Comment: This sequence change replaces asparagine, which is neutral and polar, with serine, which is neutral and polar, at codon 635 of the DCTN1 protein (p.Asn635Ser). This variant is not present in population databases (gnomAD no frequency). This variant has not been reported in the literature in individuals affected with DCTN1-related conditions. Advanced modeling of protein sequence and biophysical properties (such as structural, functional, and spatial information, amino acid conservation, physicochemical variation, residue mobility, and thermodynamic stability) performed at Invitae indicates that this missense variant is not expected to disrupt DCTN1 protein function. In summary, the available evidence is currently insufficient to determine the role of this variant in disease. Therefore, it has been classified as a Variant of Uncertain Significance.